The following is an entry in ClinVar:

ClinVar aggregate classification (germline): Pathogenic. Review status: criteria provided, multiple submitters, no conflicts (2 of 4 stars). 9 submissions from 9 submitters: Pathogenic (8). 1 of the submissions does not count toward it. Last evaluated 2025-02-24.

Conditions:
Hereditary cancer-predisposing syndrome. Also called: Hereditary neoplastic syndrome; Hereditary Cancer Syndrome; Neoplastic Syndromes, Hereditary; Tumor predisposition. Identifiers: Orphanet 140162, MedGen C0027672, MeSH D009386, MONDO:0015356.
Familial cancer of breast. Also called: Hereditary breast cancer; BREAST CANCER, FAMILIAL; hereditary breast carcinoma. Identifiers: Orphanet 227535, MedGen C0346153, MONDO:0016419, OMIM 114480. Disease mechanism: loss of function.
Ataxia-telangiectasia syndrome (AT). Also called: Ataxia-telangiectasia, complementation group D; Ataxia telangiectasia (A-T); LOUIS-BAR SYNDROME; AT, COMPLEMENTATION GROUP C; ATAXIA-TELANGIECTASIA, COMPLEMENTATION GROUP A; ATAXIA-TELANGIECTASIA, FRESNO VARIANT. Identifiers: Orphanet 100, MedGen C0004135, MONDO:0008840, OMIM 208900.

Submissions (9):

Color Diagnostics, LLC DBA Color Health
Classification: Pathogenic for Hereditary cancer-predisposing syndrome. Last evaluated: 2025-02-24. Review status: criteria provided, single submitter. Criteria: ACMG Guidelines, 2015. Collection method: clinical testing. Allele origin: germline.
Comment: This variant changes 1 nucleotide in exon 37/63 of the ATM gene, creating a premature translation stop signal. This variant is expected to result in an absent or non-functional protein product. This variant has been reported in trans with c.6154G>A (p.Glu2052Lys) in an individual affected with isolated segmental dystonia but without ataxia and telangiectasia (PMID: 30363071). This variant has not been identified in the general population by the Genome Aggregation Database (gnomAD). Loss of ATM function is a known mechanism of disease. Based on the available evidence, this variant is classified as Pathogenic.

Labcorp Genetics (formerly Invitae), Labcorp
Classification: Pathogenic for Ataxia-telangiectasia syndrome. Last evaluated: 2024-11-18. Review status: criteria provided, single submitter. Criteria: Invitae Variant Classification Sherloc (09022015). Collection method: clinical testing. Allele origin: germline.
Comment: This sequence change creates a premature translational stop signal (p.Trp1858*) in the ATM gene. It is expected to result in an absent or disrupted protein product. Loss-of-function variants in ATM are known to be pathogenic (PMID: 23807571, 25614872). This variant is not present in population databases (gnomAD no frequency). This variant has not been reported in the literature in individuals affected with ATM-related conditions. ClinVar contains an entry for this variant (Variation ID: 246068). For these reasons, this variant has been classified as Pathogenic.

Molecular Pathology, Peter Maccallum Cancer Centre
Classification: Pathogenic for Ataxia-telangiectasia syndrome. Last evaluated: 2024-08-26. Review status: criteria provided, single submitter. Criteria: ACMG Guidelines, 2015. Collection method: clinical testing. Allele origin: germline. Inheritance: Autosomal recessive inheritance.

Ambry Genetics
Classification: Pathogenic for Hereditary cancer-predisposing syndrome. Last evaluated: 2024-03-15. Review status: criteria provided, single submitter. Criteria: Ambry Variant Classification Scheme 2023. Collection method: clinical testing. Allele origin: germline.
Comment: The p.W1858* pathogenic mutation (also known as c.5573G>A), located in coding exon 36 of the ATM gene, results from a G to A substitution at nucleotide position 5573. This changes the amino acid from a tryptophan to a stop codon within coding exon 36. This mutation was reported in the compound heterozygous state in an individual with isolated segmental dystonia, but without ataxia and telangiectasia (Necp&aacute;l J et al. Mov. Disord. Clin. Pract. Dec;5:89-91). This variant is considered to be rare based on population cohorts in the Genome Aggregation Database (gnomAD). In addition to the clinical data presented in the literature, this alteration is expected to result in loss of function by premature protein truncation or nonsense-mediated mRNA decay. As such, this alteration is interpreted as a disease-causing mutation.

Myriad Genetics, Inc.
Classification: Pathogenic for Familial cancer of breast. Last evaluated: 2024-01-25. Review status: criteria provided, single submitter. Criteria: Myriad Autosomal Dominant, Autosomal Recessive and X-Linked Classification Criteria (2023). Collection method: clinical testing. Allele origin: unknown.
Comment: This variant is considered pathogenic. This variant creates a termination codon and is predicted to result in premature protein truncation.

Institute of Human Genetics Munich, TUM University Hospital
Classification: Pathogenic for Ataxia-telangiectasia syndrome. Last evaluated: 2019-06-13. Review status: criteria provided, single submitter. Criteria: Classification criteria August 2017. Collection method: clinical testing. Allele origin: paternal. Inheritance: Autosomal recessive inheritance. Affected: yes. Observed: 1 compound heterozygote.

GeneDx
Classification: Pathogenic. Last evaluated: 2017-01-16. Review status: criteria provided, single submitter. Criteria: GeneDx Variant Classification (06012015). Collection method: clinical testing. Allele origin: germline. Affected: yes.
Comment: This pathogenic variant is denoted ATM c.5573G>A at the cDNA level and p.Trp1858Ter (W1858X) at the protein level. The substitution creates a nonsense variant, which changes a Tryptophan to a premature stop codon (TGG>TAG), and is predicted to cause loss of normal protein function through either protein truncation or nonsense-mediated mRNA decay. Although this variant has not, to our knowledge, been reported in the literature, the adjacent variant c.5574G>A, which also results in a premature stop codon at this residue (p.Trp1858Ter) has been reported in the compound heterozygous state with another ATM pathogenic variant in an individual with Ataxia-telangiectasia (Delia 2000). We therefore consider ATM c.5573G>A to be pathogenic.

Juno Genomics, Hangzhou Juno Genomics, Inc
Classification: Pathogenic for Ataxia-telangiectasia syndrome. Review status: criteria provided, single submitter. Criteria: ACMG Guidelines, 2015. Collection method: clinical testing. Allele origin: germline.
Comment: Absent from controls (or at extremely low frequency if recessive) in Genome Aggregation Database.;Null variant in a gene where loss of function (LOF) is a known mechanism of disease.;For recessive disorders, detected in trans with a pathogenic variant.

Counsyl
Classification: Likely pathogenic for Ataxia-telangiectasia syndrome. Last evaluated: 2017-04-14. Review status: no assertion criteria provided. Collection method: clinical testing. Allele origin: unknown. Not counted in ClinVar's aggregate classification.

Literature cited by the submitters: PubMed 30363071 (cited by Color Diagnostics, LLC DBA Color Health and Ambry Genetics); PubMed 23807571 (cited by Labcorp Genetics (formerly Invitae), Labcorp); PubMed 25614872 (cited by Labcorp Genetics (formerly Invitae), Labcorp).

NM_000051.4(ATM):c.5573G>A (p.Trp1858Ter)

Gene: ATM (ATM serine/threonine kinase; plus strand). Cytogenetic location: 11q22.3.
Variant type: single nucleotide variant.
Coding change: c.5573G>A on transcript NM_000051.4 (MANE Select); coding-DNA position 5573, G replaced by A.
Protein change: p.Trp1858Ter; replaces tryptophan 1858 with a stop codon.
Molecular consequence: nonsense.
Genome position (GRCh38, 1-based): chr11:108,304,751, G>A. VCF-style: chr11-108304751-G-A. GRCh37 (hg19) VCF-style: chr11-108175478-G-A.
Other names: c.5573G>A, p.Trp1858Ter (NM_001351834.2); short protein forms W1858*.
Identifiers: ClinVar variation 246068 (VCV000246068.21), dbSNP rs879254076, ClinGen allele CA10584352.